The following is an entry in ClinVar:

ClinVar aggregate classification (germline): Uncertain significance (1 of 4 stars; one submission).

Conditions:
Aortic valve disease 2 (AOVD2). Identifiers: MedGen C3542024, MONDO:0013902, OMIM 614823.

Allele frequency attached by ClinVar (database versions not stated): gnomAD exomes below 0.00001; gnomAD 0.00001; TOPMed 0.00003.
gnomAD v4.1: 6 of 1,608,510 alleles (0.00037%); highest among the groups gnomAD compares: East Asian, 0.0045%; no homozygotes.

Submission:

Labcorp Genetics (formerly Invitae), Labcorp
Classification: Uncertain significance for Aortic valve disease 2. Last evaluated: 2022-03-13. Review status: criteria provided, single submitter. Criteria: Invitae Variant Classification Sherloc (09022015). Collection method: clinical testing. Allele origin: germline.
Comment: In summary, the available evidence is currently insufficient to determine the role of this variant in disease. Therefore, it has been classified as a Variant of Uncertain Significance. Algorithms developed to predict the effect of missense changes on protein structure and function are either unavailable or do not agree on the potential impact of this missense change (SIFT: "Deleterious"; PolyPhen-2: "Benign"; Align-GVGD: "Class C0"). This variant has not been reported in the literature in individuals affected with SMAD6-related conditions. The frequency data for this variant in the population databases is considered unreliable, as metrics indicate poor data quality at this position in the gnomAD database. This sequence change replaces alanine, which is neutral and non-polar, with threonine, which is neutral and polar, at codon 353 of the SMAD6 protein (p.Ala353Thr).

NM_005585.5(SMAD6):c.1057G>A (p.Ala353Thr)

Gene: SMAD6 (SMAD family member 6; plus strand). Cytogenetic location: 15q22.31.
Variant type: single nucleotide variant.
Coding change: c.1057G>A on transcript NM_005585.5 (MANE Select); coding-DNA position 1057, G replaced by A.
Protein change: p.Ala353Thr; replaces alanine 353 with threonine.
Molecular consequence: missense variant. On other transcripts: non-coding transcript variant (1).
Genome position (GRCh38, 1-based): chr15:66,781,101, G>A. VCF-style: chr15-66781101-G-A. GRCh37 (hg19) VCF-style: chr15-67073439-G-A.
Other names: short protein forms A353T.
Identifiers: ClinVar variation 1425142 (VCV001425142.8), dbSNP rs1315294969, ClinGen allele CA393201771.
Genomic context (GRCh38, chr15:66,781,101, plus strand): 5'-AGCGTGGCGTACTGGGAGCACCGGACGCGCGTGGGCCGCCTCTATGCGGTGTACGACCAG[G>A]CCGTCAGCATCTTCTACGACCTACCTCAGGGCAGCGGCTTCTGCCTGGGCCAGCTCAACC-3'
Protein context (NP_005576.3, residues 343-363): VGRLYAVYDQ[Ala353Thr]VSIFYDLPQG